The following is an entry in ClinVar:

NM_000255.4(MMUT):c.802_803del (p.Glu268fs)

Gene: MMUT (methylmalonyl-CoA mutase; minus strand). Cytogenetic location: 6p12.3.
Variant type: Deletion.
Coding change: c.802_803del on transcript NM_000255.4 (MANE Select); coding-DNA positions 802 to 803, 2 bases deleted (GA; older notation c.802_803delGA).
Protein change: p.Glu268fs; shifts the reading frame from glutamic acid 268.
Molecular consequence: frameshift variant.
Genome position (GRCh38, 1-based): chr6:49,456,188-49,456,189, TC deleted on the plus strand (GA on the coding strand, the reverse complement: MMUT is on the minus strand). VCF-style (leftmost placement, unchanged base first): chr6-49456187-TTC-T. GRCh37 (hg19) VCF-style: chr6-49423900-TTC-T.
Other names: short protein forms E268fs.
Identifiers: ClinVar variation 2028518 (VCV002028518.4), dbSNP rs2481343909, ClinGen allele CA2580074731.
Genomic context (GRCh38, chr6:49,456,187, plus strand): 5'-AGAGTACTCCAATCCATCTGCTAAAGTATAGGCCAGCTCCAGAATGGCATCAGCCCCTGC[TTC>T]CTGCATATGGTATCCACTAATTGAAATTGAATTAAATTTTGGCATGTGCTACATAAAAAA-3'

ClinVar aggregate classification (germline): Pathogenic (1 of 4 stars; one submission).

Submission:

Labcorp Genetics (formerly Invitae), Labcorp
Classification: Pathogenic. Last evaluated: 2022-09-15. Review status: criteria provided, single submitter. Criteria: Invitae Variant Classification Sherloc (09022015). Collection method: clinical testing. Allele origin: germline.
Comment: This sequence change creates a premature translational stop signal (p.Glu268Serfs*4) in the MUT gene. It is expected to result in an absent or disrupted protein product. Loss-of-function variants in MUT are known to be pathogenic (PMID: 15781192). This variant is not present in population databases (gnomAD no frequency). This variant has not been reported in the literature in individuals affected with MUT-related conditions. For these reasons, this variant has been classified as Pathogenic.

Literature cited by the submitters: PubMed 15781192.